The following is an entry in ClinVar:

NM_000038.6(APC):c.6953G>A (p.Ser2318Asn)

Gene: APC (APC regulator of Wnt signaling pathway; plus strand). Cytogenetic location: 5q22.2.
Variant type: single nucleotide variant.
Coding change: c.6953G>A on transcript NM_000038.6 (MANE Select); coding-DNA position 6953, G replaced by A.
Protein change: p.Ser2318Asn; replaces serine 2318 with asparagine.
Molecular consequence: missense variant.
Genome position (GRCh38, 1-based): chr5:112,842,547, G>A. VCF-style: chr5-112842547-G-A. GRCh37 (hg19) VCF-style: chr5-112178244-G-A.
Other names: c.6953G>A, p.Ser2318Asn (NM_001127510.3, NM_001354895.2); c.6899G>A, p.Ser2300Asn (NM_001127511.3); c.7007G>A, p.Ser2336Asn (NM_001354896.2); c.6983G>A, p.Ser2328Asn (NM_001354897.2); c.6878G>A, p.Ser2293Asn (NM_001354898.2); c.6869G>A, p.Ser2290Asn (NM_001354899.2); c.6830G>A, p.Ser2277Asn (NM_001354900.2); c.6776G>A, p.Ser2259Asn (NM_001354901.2); and 5 more; short protein forms S2217N, S2259N, S2277N, S2290N, S2158N, S2192N, S2227N, S2336N.
Identifiers: ClinVar variation 841341 (VCV000841341.15), dbSNP rs1766341202, ClinGen allele CA16036495.

ClinVar aggregate classification (germline): Uncertain significance. Review status: criteria provided, multiple submitters, no conflicts (2 of 4 stars). 2 submissions from 2 submitters: Uncertain significance (2). Last evaluated 2025-10-03.

Conditions:
Hereditary cancer-predisposing syndrome. Also called: Hereditary Cancer Syndrome; Hereditary neoplastic syndrome; Tumor predisposition; Neoplastic Syndromes, Hereditary. Identifiers: Orphanet 140162, MedGen C0027672, MeSH D009386, MONDO:0015356.
Familial adenomatous polyposis 1 (FAP1). Also called: FAMILIAL ADENOMATOUS POLYPOSIS 1, ATTENUATED; POLYPOSIS, ADENOMATOUS INTESTINAL. Identifiers: MedGen C2713442, MONDO:0021056, OMIM 175100. Disease mechanism: loss of function.

Submissions (2):

Ambry Genetics
Classification: Uncertain significance for Hereditary cancer-predisposing syndrome. Last evaluated: 2025-10-03. Review status: criteria provided, single submitter. Criteria: Ambry Variant Classification Scheme 2023. Collection method: clinical testing. Allele origin: germline.
Comment: The p.S2318N variant (also known as c.6953G>A), located in coding exon 15 of the APC gene, results from a G to A substitution at nucleotide position 6953. The serine at codon 2318 is replaced by asparagine, an amino acid with highly similar properties. This amino acid position is not well conserved in available vertebrate species. In addition, in silico predictors for this gene do not accurately predict pathogenicity. Since supporting evidence is limited at this time, the clinical significance of this alteration remains unclear.

Labcorp Genetics (formerly Invitae), Labcorp
Classification: Uncertain significance for Familial adenomatous polyposis 1. Last evaluated: 2023-10-28. Review status: criteria provided, single submitter. Criteria: Invitae Variant Classification Sherloc (09022015). Collection method: clinical testing. Allele origin: germline.
Comment: This sequence change replaces serine, which is neutral and polar, with asparagine, which is neutral and polar, at codon 2318 of the APC protein (p.Ser2318Asn). This variant is not present in population databases (gnomAD no frequency). This variant has not been reported in the literature in individuals affected with APC-related conditions. ClinVar contains an entry for this variant (Variation ID: 841341). Advanced modeling of protein sequence and biophysical properties (such as structural, functional, and spatial information, amino acid conservation, physicochemical variation, residue mobility, and thermodynamic stability) performed at Invitae indicates that this missense variant is not expected to disrupt APC protein function with a negative predictive value of 95%. In summary, the available evidence is currently insufficient to determine the role of this variant in disease. Therefore, it has been classified as a Variant of Uncertain Significance.